The following is an entry in ClinVar:

NM_004371.4(COPA):c.1772C>A (p.Thr591Asn)

Gene: COPA (coat protein complex I subunit alpha; minus strand). Cytogenetic location: 1q23.2.
Variant type: single nucleotide variant.
Coding change: c.1772C>A on transcript NM_004371.4 (MANE Select); coding-DNA position 1772, C replaced by A.
Protein change: p.Thr591Asn; replaces threonine 591 with asparagine.
Molecular consequence: missense variant.
Genome position (GRCh38, 1-based): chr1:160,299,160, G>T on the plus strand (C>A on the coding strand, the complement: COPA is on the minus strand). VCF-style: chr1-160299160-G-T. GRCh37 (hg19) VCF-style: chr1-160268950-G-T.
Other names: c.1799C>A, p.Thr600Asn (NM_001098398.2); short protein forms T591N, T600N.
Identifiers: ClinVar variation 1013790 (VCV001013790.6), dbSNP rs1032077330, ClinGen allele CA31537068.

ClinVar aggregate classification (germline): Uncertain significance (1 of 4 stars; one submission).

Conditions:
Autoimmune interstitial lung disease-arthritis syndrome. Also called: Autoinflammation and autoimmunity, systemic, with immune dysregulation. Identifiers: Orphanet 444092, MedGen C5975714, MONDO:0014629.

Allele frequency attached by ClinVar (database versions not stated): gnomAD exomes below 0.00001.
gnomAD v4.1: 2 of 1,614,178 alleles (0.00012%); highest among the groups gnomAD compares: Admixed American, 0.0017%; no homozygotes.

Submission:

Labcorp Genetics (formerly Invitae), Labcorp
Classification: Uncertain significance for Autoimmune interstitial lung disease-arthritis syndrome. Last evaluated: 2024-02-24. Review status: criteria provided, single submitter. Criteria: Invitae Variant Classification Sherloc (09022015). Collection method: clinical testing. Allele origin: germline.
Comment: This sequence change replaces threonine, which is neutral and polar, with asparagine, which is neutral and polar, at codon 591 of the COPA protein (p.Thr591Asn). This variant is not present in population databases (gnomAD no frequency). This variant has not been reported in the literature in individuals affected with COPA-related conditions. ClinVar contains an entry for this variant (Variation ID: 1013790). Advanced modeling of protein sequence and biophysical properties (such as structural, functional, and spatial information, amino acid conservation, physicochemical variation, residue mobility, and thermodynamic stability) performed at Invitae indicates that this missense variant is not expected to disrupt COPA protein function with a negative predictive value of 80%. In summary, the available evidence is currently insufficient to determine the role of this variant in disease. Therefore, it has been classified as a Variant of Uncertain Significance.